The following is an entry in ClinVar:

ClinVar aggregate classification (germline): Uncertain significance (1 of 4 stars; one submission).

Conditions:
Aicardi-Goutieres syndrome 7 (AGS7). Identifiers: Orphanet 51, MedGen C3888244, MONDO:0014367, OMIM 615846.
Singleton-Merten syndrome 1 (SGMRT1). Also called: Widened medullary cavities of bone, aortic calcification, abnormal dentition, and muscular weakness; Syndrome of widened medullary cavities of the metacarpals and phalanges, aortic calcification and abnormal dentition. Identifiers: Orphanet 85191, MedGen C4225427, MONDO:0024535, OMIM 182250.

Allele frequency attached by ClinVar (database versions not stated): gnomAD exomes 0.00001.
gnomAD v4.1: 7 of 1,607,550 alleles (0.00044%); highest among the groups gnomAD compares: South Asian, 0.0011%; no homozygotes.

Submission:

Labcorp Genetics (formerly Invitae), Labcorp
Classification: Uncertain significance for Aicardi-Goutieres syndrome 7; Singleton-Merten syndrome 1. Last evaluated: 2022-09-30. Review status: criteria provided, single submitter. Criteria: Invitae Variant Classification Sherloc (09022015). Collection method: clinical testing. Allele origin: germline.
Comment: In summary, the available evidence is currently insufficient to determine the role of this variant in disease. Therefore, it has been classified as a Variant of Uncertain Significance. Advanced modeling of protein sequence and biophysical properties (such as structural, functional, and spatial information, amino acid conservation, physicochemical variation, residue mobility, and thermodynamic stability) has been performed at Invitae for this missense variant, however the output from this modeling did not meet the statistical confidence thresholds required to predict the impact of this variant on IFIH1 protein function. ClinVar contains an entry for this variant (Variation ID: 647748). This variant has not been reported in the literature in individuals affected with IFIH1-related conditions. This variant is present in population databases (rs747311719, gnomAD 0.003%). This sequence change replaces histidine, which is basic and polar, with arginine, which is basic and polar, at codon 927 of the IFIH1 protein (p.His927Arg).

NM_022168.4(IFIH1):c.2780A>G (p.His927Arg)

Gene: IFIH1 (interferon induced with helicase C domain 1; minus strand). Cytogenetic location: 2q24.2.
Variant type: single nucleotide variant.
Coding change: c.2780A>G on transcript NM_022168.4 (MANE Select); coding-DNA position 2780, A replaced by G.
Protein change: p.His927Arg; replaces histidine 927 with arginine.
Molecular consequence: missense variant.
Genome position (GRCh38, 1-based): chr2:162,268,114, T>C on the plus strand (A>G on the coding strand, the complement: IFIH1 is on the minus strand). VCF-style: chr2-162268114-T-C. GRCh37 (hg19) VCF-style: chr2-163124624-T-C.
Other names: c.2780A>G, p.His927Arg (LRG_1235t1); short protein forms H927R.
Identifiers: ClinVar variation 647748 (VCV000647748.5), dbSNP rs747311719, ClinGen allele CA1934081.
Genomic context (GRCh38, chr2:162,268,114, plus strand): 5'-GAAAAATGTAAAAATGGGTCTTTCTGGACTCACTTGAATTCTGGGGTCATATTGACGTGA[T>C]GCATTTTCTCAATTACATGGATATCTTCCCCAGAACAGGCTAGCACACTGCAGTTTTTGC-3'
Protein context (NP_071451.2, residues 917-937): GEDIHVIEKM[His927Arg]HVNMTPEFKE